The following is an entry in ClinVar:

ClinVar aggregate classification (germline): Uncertain significance (1 of 4 stars; one submission).

Conditions:
Mosaic variegated aneuploidy syndrome 2 (MVA2). Identifiers: Orphanet 1052, MedGen C3279843, MONDO:0013582, OMIM 614114.

Submission:

Labcorp Genetics (formerly Invitae), Labcorp
Classification: Uncertain significance for Mosaic variegated aneuploidy syndrome 2. Last evaluated: 2022-08-16. Review status: criteria provided, single submitter. Criteria: Invitae Variant Classification Sherloc (09022015). Collection method: clinical testing. Allele origin: germline.
Comment: In summary, the available evidence is currently insufficient to determine the role of this variant in disease. Therefore, it has been classified as a Variant of Uncertain Significance. Algorithms developed to predict the effect of missense changes on protein structure and function output the following: SIFT: "Tolerated"; PolyPhen-2: "Benign"; Align-GVGD: "Class C0". The serine amino acid residue is found in multiple mammalian species, which suggests that this missense change does not adversely affect protein function. ClinVar contains an entry for this variant (Variation ID: 1035444). This variant has not been reported in the literature in individuals affected with CEP57-related conditions. This variant is not present in population databases (gnomAD no frequency). This sequence change replaces asparagine, which is neutral and polar, with serine, which is neutral and polar, at codon 489 of the CEP57 protein (p.Asn489Ser).

NM_014679.5(CEP57):c.1466A>G (p.Asn489Ser)

Gene: CEP57 (centrosomal protein 57; plus strand). Cytogenetic location: 11q21.
Variant type: single nucleotide variant.
Coding change: c.1466A>G on transcript NM_014679.5 (MANE Select); coding-DNA position 1466, A replaced by G.
Protein change: p.Asn489Ser; replaces asparagine 489 with serine.
Molecular consequence: missense variant.
Genome position (GRCh38, 1-based): chr11:95,831,219, A>G. VCF-style: chr11-95831219-A-G. GRCh37 (hg19) VCF-style: chr11-95564383-A-G.
Other names: c.1439A>G, p.Asn480Ser (NM_001243776.2); c.1388A>G, p.Asn463Ser (NM_001243777.2); c.1385A>G, p.Asn462Ser (NM_001363604.2); short protein forms N463S, N489S, N462S, N480S.
Identifiers: ClinVar variation 1035444 (VCV001035444.8), dbSNP rs1050934936, ClinGen allele CA226588414.